The following is an entry in ClinVar:

ClinVar aggregate classification (germline): Uncertain significance (1 of 4 stars; one submission).

Conditions:
Wilson disease (WND). Also called: Wilson's disease. Identifiers: Orphanet 905, MedGen C0019202, MONDO:0010200, OMIM 277900. Disease mechanism: loss of function.

Submission:

Labcorp Genetics (formerly Invitae), Labcorp
Classification: Uncertain significance for Wilson disease. Last evaluated: 2024-11-05. Review status: criteria provided, single submitter. Criteria: Invitae Variant Classification Sherloc (09022015). Collection method: clinical testing. Allele origin: germline.
Comment: This sequence change replaces valine, which is neutral and non-polar, with methionine, which is neutral and non-polar, at codon 57 of the ATP7B protein (p.Val57Met). This variant is not present in population databases (gnomAD no frequency). This variant has not been reported in the literature in individuals affected with ATP7B-related conditions. ClinVar contains an entry for this variant (Variation ID: 2013316). Invitae Evidence Modeling of protein sequence and biophysical properties (such as structural, functional, and spatial information, amino acid conservation, physicochemical variation, residue mobility, and thermodynamic stability) indicates that this missense variant is not expected to disrupt ATP7B protein function with a negative predictive value of 95%. In summary, the available evidence is currently insufficient to determine the role of this variant in disease. Therefore, it has been classified as a Variant of Uncertain Significance.

NM_000053.4(ATP7B):c.169G>A (p.Val57Met)

Gene: ATP7B (ATPase copper transporting beta; minus strand). Cytogenetic location: 13q14.3.
Variant type: single nucleotide variant.
Coding change: c.169G>A on transcript NM_000053.4 (MANE Select); coding-DNA position 169, G replaced by A.
Protein change: p.Val57Met; replaces valine 57 with methionine.
Molecular consequence: missense variant.
Genome position (GRCh38, 1-based): chr13:51,975,051, C>T on the plus strand (G>A on the coding strand, the complement: ATP7B is on the minus strand). VCF-style: chr13-51975051-C-T. GRCh37 (hg19) VCF-style: chr13-52549187-C-T.
Other names: c.169G>A, p.Val57Met (NM_001005918.3, NM_001243182.2, NM_001330578.2 and 30 more transcripts); c.73G>A, p.Val25Met (NM_001406517.1, NM_001406518.1, NM_001406530.1 and 4 more transcripts); short protein forms V57M, V25M.
Identifiers: ClinVar variation 2013316 (VCV002013316.4), dbSNP rs1008737431, ClinGen allele CA250067915.